The following is an entry in ClinVar:

NM_015386.3(COG4):c.2236G>A (p.Val746Met)

Gene: COG4 (component of oligomeric golgi complex 4; minus strand). Cytogenetic location: 16q22.1.
Variant type: single nucleotide variant.
Coding change: c.2236G>A on transcript NM_015386.3 (MANE Select); coding-DNA position 2236, G replaced by A.
Protein change: p.Val746Met; replaces valine 746 with methionine.
Molecular consequence: missense variant. On other transcripts: non-coding transcript variant (1).
Genome position (GRCh38, 1-based): chr16:70,481,144, C>T on the plus strand (G>A on the coding strand, the complement: COG4 is on the minus strand). VCF-style: chr16-70481144-C-T. GRCh37 (hg19) VCF-style: chr16-70515047-C-T.
Other names: c.2161G>A, p.Val721Met (NM_001195139.2); c.1810G>A, p.Val604Met (NM_001365426.1); short protein forms V604M, V721M, V746M.
Identifiers: ClinVar variation 2105750 (VCV002105750.4), dbSNP rs2507461603, ClinGen allele CA396577691.

ClinVar aggregate classification (germline): Uncertain significance (1 of 4 stars; one submission).

Conditions:
COG4-congenital disorder of glycosylation. Also called: CONGENITAL DISORDER OF GLYCOSYLATION, TYPE IIj; CDG IIj; COG4-CDG. Identifiers: Orphanet 263501, MedGen C4303552, MONDO:0013281, OMIM 613489.

Submission:

Labcorp Genetics (formerly Invitae), Labcorp
Classification: Uncertain significance for COG4-congenital disorder of glycosylation. Last evaluated: 2023-08-04. Review status: criteria provided, single submitter. Criteria: Invitae Variant Classification Sherloc (09022015). Collection method: clinical testing. Allele origin: germline.
Comment: This sequence change replaces valine, which is neutral and non-polar, with methionine, which is neutral and non-polar, at codon 746 of the COG4 protein (p.Val746Met). This variant is not present in population databases (gnomAD no frequency). This variant has not been reported in the literature in individuals affected with COG4-related conditions. ClinVar contains an entry for this variant (Variation ID: 2105750). An algorithm developed to predict the effect of missense changes on protein structure and function (PolyPhen-2) suggests that this variant is likely to be disruptive. In summary, the available evidence is currently insufficient to determine the role of this variant in disease. Therefore, it has been classified as a Variant of Uncertain Significance.